The following is an entry in ClinVar:

ClinVar aggregate classification (germline): Uncertain significance (1 of 4 stars; one submission).

Conditions:
Frontotemporal dementia and/or amyotrophic lateral sclerosis 1 (FTDALS1). Also called: Frontotemporal dementia with motor neuron disease 1; C9orf72 Frontotemporal Dementia and/or Amyotrophic Lateral Sclerosis. Identifiers: Orphanet 275872, MedGen C5779877, MONDO:0007105, OMIM 105550.
Paget disease of bone 2, early-onset (PDB2). Also called: Paget disease of bone 2. Identifiers: MedGen C4085251, MONDO:0011183, OMIM 602080.

Submission:

Labcorp Genetics (formerly Invitae), Labcorp
Classification: Uncertain significance for Paget disease of bone 2, early-onset; Frontotemporal dementia and/or amyotrophic lateral sclerosis 1. Last evaluated: 2019-12-30. Review status: criteria provided, single submitter. Criteria: Invitae Variant Classification Sherloc (09022015). Collection method: clinical testing. Allele origin: germline.
Comment: This variant is a gross deletion of the genomic region encompassing exon 8 of the SQSTM1 gene. The 5' boundary is likely confined to intron 7. The 3' end of this event is unknown as it extends through the termination codon beyond the assayed region for this gene and may encompass additional genes. While this deletion is not anticipated to result in nonsense mediated decay, it is expected to create a truncated protein product or disrupt mRNA translation. This variant has not been reported in the literature in individuals with SQSTM1-related conditions. Experimental studies and prediction algorithms are not available or were not evaluated, and the functional significance of this variant is currently unknown. In summary, the available evidence is currently insufficient to determine the role of this variant in disease. Therefore, it has been classified as a Variant of Uncertain Significance.

NC_000005.10:g.(?_179836426)_(179836603_?)del

Gene: SQSTM1 (sequestosome 1; plus strand). Cytogenetic location: 5q35.3.
Variant type: Deletion.
Identifiers: ClinVar variation 832937 (VCV000832937.2).